The following is an entry in ClinVar:

NM_017838.4(NHP2):c.320A>G (p.Tyr107Cys)

Gene: NHP2 (NHP2 ribonucleoprotein; minus strand). Cytogenetic location: 5q35.3.
Variant type: single nucleotide variant.
Coding change: c.320A>G on transcript NM_017838.4 (MANE Select); coding-DNA position 320, A replaced by G.
Protein change: p.Tyr107Cys; replaces tyrosine 107 with cysteine.
Molecular consequence: missense variant. On other transcripts: intron variant (1).
Genome position (GRCh38, 1-based): chr5:178,150,904, T>C on the plus strand (A>G on the coding strand, the complement: NHP2 is on the minus strand). VCF-style: chr5-178150904-T-C. GRCh37 (hg19) VCF-style: chr5-177577905-T-C.
Other names: c.231-1066A>G (NM_001034833.2); short protein forms Y107C.
Identifiers: ClinVar variation 1366957 (VCV001366957.6), dbSNP rs760076146, ClinGen allele CA3589182.
Genomic context (GRCh38, chr5:178,150,904, plus strand): 5'-ACACCCCAGTGCTGAGCAAGGTCAGGGGGCCACGTGCTCCTTACCGTCTTAGAGGGGATA[T>C]AGACATAGGGCAAATTTCGGTCCTCACACATGACTGGGAGATGGCAGTATACCTCAATGG-3'
Protein context (NP_060308.1, residues 97-117): MCEDRNLPYV[Tyr107Cys]IPSKTDLGAA

ClinVar aggregate classification (germline): Uncertain significance (1 of 4 stars; one submission).

Conditions:
Dyskeratosis congenita. Identifiers: Orphanet 1775, MedGen C0265965, MONDO:0015780.

Allele frequency attached by ClinVar (database versions not stated): ExAC 0.00001.

Submission:

Labcorp Genetics (formerly Invitae), Labcorp
Classification: Uncertain significance for Dyskeratosis congenita. Last evaluated: 2025-01-27. Review status: criteria provided, single submitter. Criteria: Invitae Variant Classification Sherloc (09022015). Collection method: clinical testing. Allele origin: germline.
Comment: This sequence change replaces tyrosine, which is neutral and polar, with cysteine, which is neutral and slightly polar, at codon 107 of the NHP2 protein (p.Tyr107Cys). This variant is present in population databases (rs760076146, gnomAD 0.003%). This variant has not been reported in the literature in individuals affected with NHP2-related conditions. ClinVar contains an entry for this variant (Variation ID: 1366957). An algorithm developed to predict the effect of missense changes on protein structure and function (PolyPhen-2) suggests that this variant¬†is likely to be tolerated. In summary, the available evidence is currently insufficient to determine the role of this variant in disease. Therefore, it has been classified as a Variant of Uncertain Significance.